The following is an entry in ClinVar:

ClinVar aggregate classification (germline): Uncertain significance. Review status: criteria provided, multiple submitters, no conflicts (2 of 4 stars). 2 submissions from 2 submitters: Uncertain significance (2). Last evaluated 2025-12-08.

Conditions:
Hereditary cancer-predisposing syndrome. Also called: Tumor predisposition; Hereditary Cancer Syndrome; Hereditary neoplastic syndrome; Neoplastic Syndromes, Hereditary. Identifiers: Orphanet 140162, MedGen C0027672, MeSH D009386, MONDO:0015356.

Submissions (2):

Labcorp Genetics (formerly Invitae), Labcorp
Classification: Uncertain significance. Last evaluated: 2025-12-08. Review status: criteria provided, single submitter. Criteria: Invitae Variant Classification Sherloc (09022015). Collection method: clinical testing. Allele origin: germline.
Comment: This sequence change replaces asparagine, which is neutral and polar, with isoleucine, which is neutral and non-polar, at codon 1036 of the POLE protein (p.Asn1036Ile). This variant is not present in population databases (gnomAD no frequency). This variant has not been reported in the literature in individuals affected with POLE-related conditions. ClinVar contains an entry for this variant (Variation ID: 1480310). Invitae Evidence Modeling of protein sequence and biophysical properties (such as structural, functional, and spatial information, amino acid conservation, physicochemical variation, residue mobility, and thermodynamic stability) indicates that this missense variant is expected to disrupt POLE protein function with a positive predictive value of 80%. In summary, the available evidence is currently insufficient to determine the role of this variant in disease. Therefore, it has been classified as a Variant of Uncertain Significance.

Ambry Genetics
Classification: Uncertain significance for Hereditary cancer-predisposing syndrome. Last evaluated: 2021-11-22. Review status: criteria provided, single submitter. Criteria: Ambry Variant Classification Scheme 2023. Collection method: clinical testing. Allele origin: germline.
Comment: The p.N1036I variant (also known as c.3107A>T), located in coding exon 26 of the POLE gene, results from an A to T substitution at nucleotide position 3107. The asparagine at codon 1036 is replaced by isoleucine, an amino acid with dissimilar properties. This amino acid position is conserved. In addition, the in silico prediction for this alteration is inconclusive. Since supporting evidence is limited at this time, the clinical significance of this alteration remains unclear.

NM_006231.4(POLE):c.3107A>T (p.Asn1036Ile)

Gene: POLE (DNA polymerase epsilon, catalytic subunit; minus strand). Cytogenetic location: 12q24.33.
Variant type: single nucleotide variant.
Coding change: c.3107A>T on transcript NM_006231.4 (MANE Select); coding-DNA position 3107, A replaced by T.
Protein change: p.Asn1036Ile; replaces asparagine 1036 with isoleucine.
Molecular consequence: missense variant.
Genome position (GRCh38, 1-based): chr12:132,659,463, T>A on the plus strand (A>T on the coding strand, the complement: POLE is on the minus strand). VCF-style: chr12-132659463-T-A. GRCh37 (hg19) VCF-style: chr12-133236049-T-A.
Other names: short protein forms N1036I.
Identifiers: ClinVar variation 1480310 (VCV001480310.6), dbSNP rs2138678125, ClinGen allele CA387391691.
Genomic context (GRCh38, chr12:132,659,463, plus strand): 5'-GTGCTGATGGACGTAGACTTCTGCTCCCCGTAATCTTCCAGCTTCCGAGACATGGAACGG[T>A]TCTCAGAGATGAGCTCGAATAGCTCAGAGTCAGGCATGTTGGCTGCCTAGAGAAAGACAA-3'
Protein context (NP_006222.2, residues 1026-1046): DSELFELISE[Asn1036Ile]RSMSRKLEDY